The following is an entry in ClinVar:

ClinVar aggregate classification (germline): Uncertain significance (1 of 4 stars; one submission).

Submission:

Labcorp Genetics (formerly Invitae), Labcorp
Classification: Uncertain significance. Last evaluated: 2025-06-11. Review status: criteria provided, single submitter. Criteria: Invitae Variant Classification Sherloc (09022015). Collection method: clinical testing. Allele origin: germline.
Comment: This sequence change replaces serine, which is neutral and polar, with asparagine, which is neutral and polar, at codon 1889 of the FLNB protein (p.Ser1889Asn). This variant is not present in population databases (gnomAD no frequency). This variant has not been reported in the literature in individuals affected with FLNB-related conditions. Invitae Evidence Modeling of protein sequence and biophysical properties (such as structural, functional, and spatial information, amino acid conservation, physicochemical variation, residue mobility, and thermodynamic stability) indicates that this missense variant is not expected to disrupt FLNB protein function with a negative predictive value of 95%. In summary, the available evidence is currently insufficient to determine the role of this variant in disease. Therefore, it has been classified as a Variant of Uncertain Significance.

NM_001457.4(FLNB):c.5666G>A (p.Ser1889Asn)

Gene: FLNB (filamin B; plus strand). Cytogenetic location: 3p14.3.
Variant type: single nucleotide variant.
Coding change: c.5666G>A on transcript NM_001457.4 (MANE Select); coding-DNA position 5666, G replaced by A.
Protein change: p.Ser1889Asn; replaces serine 1889 with asparagine.
Molecular consequence: missense variant.
Genome position (GRCh38, 1-based): chr3:58,146,931, G>A. VCF-style: chr3-58146931-G-A. GRCh37 (hg19) VCF-style: chr3-58132658-G-A.
Other names: c.5759G>A, p.Ser1920Asn (NM_001164317.2); c.5633G>A, p.Ser1878Asn (NM_001164318.2); c.5594G>A, p.Ser1865Asn (NM_001164319.2); short protein forms S1865N, S1878N, S1889N, S1920N.
Identifiers: ClinVar variation 4811311 (VCV004811311.1).
Genomic context (GRCh38, chr3:58,146,931, plus strand): 5'-TTGACAATAAAGATGGGACATGCACAGTGACCTACCTGCCGACTCTGCCAGGCGACTACA[G>A]CATTCTGGTCAAGTACAATGACAAGCACATCCCTGGCAGCCCCTTCACAGCCAAGATCAC-3'
Protein context (NP_001448.2, residues 1879-1899): TYLPTLPGDY[Ser1889Asn]ILVKYNDKHI